The following is an entry in ClinVar:

ClinVar aggregate classification (germline): Uncertain significance (1 of 4 stars; one submission).

Conditions:
Accelerated tumor formation, susceptibility to (ACTFS). Identifiers: MedGen C3280690, OMIM 614401, MONDO:0013733.

Submission:

Labcorp Genetics (formerly Invitae), Labcorp
Classification: Uncertain significance for Accelerated tumor formation, susceptibility to. Last evaluated: 2024-09-10. Review status: criteria provided, single submitter. Criteria: Invitae Variant Classification Sherloc (09022015). Collection method: clinical testing. Allele origin: germline.
Comment: This sequence change replaces asparagine, which is neutral and polar, with serine, which is neutral and polar, at codon 11 of the MDM2 protein (p.Asn11Ser). This variant is not present in population databases (gnomAD no frequency). This variant has not been reported in the literature in individuals affected with MDM2-related conditions. An algorithm developed to predict the effect of missense changes on protein structure and function outputs the following: PolyPhen-2: "Benign". The serine amino acid residue is found in multiple mammalian species, which suggests that this missense change does not adversely affect protein function. In summary, the available evidence is currently insufficient to determine the role of this variant in disease. Therefore, it has been classified as a Variant of Uncertain Significance.

NM_002392.6(MDM2):c.32A>G (p.Asn11Ser)

Genes: MDM2 (MDM2 proto-oncogene; plus strand), LOC126861563 (CDK7 strongly-dependent group 2 enhancer GRCh37_chr12:69202246-69203445; plus strand). Cytogenetic location: 12q15.
Variant type: single nucleotide variant.
Coding change: c.32A>G on transcript NM_002392.6 (MANE Select); coding-DNA position 32, A replaced by G.
Protein change: p.Asn11Ser; replaces asparagine 11 with serine.
Molecular consequence: missense variant.
Genome position (GRCh38, 1-based): chr12:68,809,225, A>G. VCF-style: chr12-68809225-A-G. GRCh37 (hg19) VCF-style: chr12-69203005-A-G.
Other names: c.14A>G, p.Asn5Ser (NM_001145337.3, NM_001145340.3, NM_001278462.2 and 1 more transcripts); c.32A>G, p.Asn11Ser (NM_001145339.2); short protein forms N11S, N5S.
Identifiers: ClinVar variation 3615156 (VCV003615156.2).